The following is an entry in ClinVar:

ClinVar aggregate classification (germline): Uncertain significance (1 of 4 stars; one submission).

Submission:

Labcorp Genetics (formerly Invitae), Labcorp
Classification: Uncertain significance. Last evaluated: 2024-05-07. Review status: criteria provided, single submitter. Criteria: Invitae Variant Classification Sherloc (09022015). Collection method: clinical testing. Allele origin: germline.
Comment: This sequence change replaces isoleucine, which is neutral and non-polar, with valine, which is neutral and non-polar, at codon 2092 of the CACNA1G protein (p.Ile2092Val). This variant is not present in population databases (gnomAD no frequency). This variant has not been reported in the literature in individuals affected with CACNA1G-related conditions. Advanced modeling of protein sequence and biophysical properties (such as structural, functional, and spatial information, amino acid conservation, physicochemical variation, residue mobility, and thermodynamic stability) performed at Invitae indicates that this missense variant is not expected to disrupt CACNA1G protein function with a negative predictive value of 95%. In summary, the available evidence is currently insufficient to determine the role of this variant in disease. Therefore, it has been classified as a Variant of Uncertain Significance.

NM_018896.5(CACNA1G):c.6274A>G (p.Ile2092Val)

Gene: CACNA1G (calcium voltage-gated channel subunit alpha1 G; plus strand). Cytogenetic location: 17q21.33.
Variant type: single nucleotide variant.
Coding change: c.6274A>G on transcript NM_018896.5 (MANE Select); coding-DNA position 6274, A replaced by G.
Protein change: p.Ile2092Val; replaces isoleucine 2092 with valine.
Molecular consequence: missense variant. On other transcripts: non-coding transcript variant (5).
Genome position (GRCh38, 1-based): chr17:50,624,404, A>G. VCF-style: chr17-50624404-A-G. GRCh37 (hg19) VCF-style: chr17-48701765-A-G.
Other names: c.5926A>G, p.Ile1976Val (NM_198382.3); c.6061A>G, p.Ile2021Val (NM_198383.3); c.5995A>G, p.Ile1999Val (NM_198384.3, NM_001256333.2); c.6139A>G, p.Ile2047Val (NM_198385.3); c.5941A>G, p.Ile1981Val (NM_198386.3); c.5893A>G, p.Ile1965Val (NM_198387.3, NM_001256329.2, NM_198376.3); c.5872A>G, p.Ile1958Val (NM_198388.3); c.6172A>G, p.Ile2058Val (NM_198396.3); and 15 more; short protein forms I1947V, I1958V, I1972V, I1974V, I1988V, I1992V, I2029V, I2092V.
Identifiers: ClinVar variation 3673366 (VCV003673366.2).